The following is an entry in ClinVar:

NM_000535.7(PMS2):c.2446-19C>T

Gene: PMS2 (PMS1 homolog 2, mismatch repair system component; minus strand). Cytogenetic location: 7p22.1.
Variant type: single nucleotide variant.
Coding change: c.2446-19C>T on transcript NM_000535.7 (MANE Select); 19 bases into the intron before coding-DNA position 2446, C replaced by T.
Molecular consequence: intron variant.
Genome position (GRCh38, 1-based): chr7:5,973,561, G>A on the plus strand (C>T on the coding strand, the complement: PMS2 is on the minus strand). VCF-style: chr7-5973561-G-A. GRCh37 (hg19) VCF-style: chr7-6013192-G-A.
Other names: c.2128-19C>T (NM_001322008.2, NM_001322007.2); c.1885-19C>T (NM_001322010.2); c.2041-19C>T (NM_001322004.2, NM_001322003.2, NM_001322005.2); c.1873-19C>T (NM_001322013.2); c.1513-19C>T (NM_001322012.2, NM_001322011.2); c.2137-19C>T (NM_001322015.2); c.2290-19C>T (NM_001322006.2); c.2479-19C>T (NM_001322014.2); and 1 more.
Identifiers: ClinVar variation 632953 (VCV000632953.13), dbSNP rs1390101876, ClinGen allele CA840177520.

ClinVar aggregate classification (germline): Benign/Likely benign. Review status: criteria provided, multiple submitters, no conflicts (2 of 4 stars). 5 submissions from 5 submitters: Benign (1); Likely benign (4). Last evaluated 2026-02-03.

Conditions:
Lynch syndrome 4 (LYNCH4). Also called: Hereditary non-polyposis colorectal cancer, type 4; Colorectal cancer, hereditary nonpolyposis, type 4. Identifiers: Orphanet 144, MedGen C1838333, MONDO:0013699, OMIM 614337. Disease mechanism: loss of function.
Hereditary nonpolyposis colorectal neoplasms. Identifiers: MedGen C0009405, MeSH D003123.

Allele frequency attached by ClinVar (database versions not stated): gnomAD below 0.00001.

Submissions (5):

Labcorp Genetics (formerly Invitae), Labcorp
Classification: Likely benign for Hereditary nonpolyposis colorectal neoplasms. Last evaluated: 2026-02-03. Review status: criteria provided, single submitter. Criteria: Invitae Variant Classification Sherloc (09022015). Collection method: clinical testing. Allele origin: germline.

Myriad Genetics, Inc.
Classification: Likely benign for Lynch syndrome 4. Last evaluated: 2025-02-04. Review status: criteria provided, single submitter. Criteria: Myriad Autosomal Dominant, Autosomal Recessive and X-Linked Classification Criteria (2023). Collection method: clinical testing. Allele origin: unknown.
Comment: This variant is considered likely benign. This variant is intronic and is not expected to impact mRNA splicing.

Women's Health and Genetics/Laboratory Corporation of America, LabCorp
Classification: Likely benign. Last evaluated: 2024-12-12. Review status: criteria provided, single submitter. Criteria: LabCorp Variant Classification Summary - May 2015. Collection method: clinical testing. Allele origin: germline.

ARUP Laboratories, Molecular Genetics and Genomics, ARUP Laboratories
Classification: Likely benign. Last evaluated: 2024-11-22. Review status: criteria provided, single submitter. Criteria: ARUP Molecular Germline Variant Investigation Process 2024. Collection method: clinical testing. Allele origin: germline.

GeneDx
Classification: Benign. Last evaluated: 2015-03-03. Review status: criteria provided, single submitter. Criteria: GeneDx Variant Classification Process June 2021. Collection method: clinical testing. Allele origin: germline. Affected: yes.